The following is an entry in ClinVar:

ClinVar aggregate classification (germline): Conflicting classifications of pathogenicity. Review status: criteria provided, conflicting classifications (1 of 4 stars). 5 submissions from 5 submitters: Uncertain significance (3); Likely benign (2). Last evaluated 2026-01-25.

Conditions:
EXOSC3-related disorder. Also called: EXOSC3-related condition.
Pontocerebellar hypoplasia type 1B. Also called: EXOSC3 Pontocerebellar Hypoplasia. Identifiers: Orphanet 2254, MedGen C3553449, MONDO:0013853, OMIM 614678.

Allele frequency attached by ClinVar (database versions not stated): ExAC 0.00046; 1000 Genomes Project 30x 0.00047; gnomAD exomes 0.00050 and 0.00074; 1000 Genomes Project 0.00060; TOPMed 0.00064; gnomAD 0.00073 and 0.00077; ESP Exome Variant Server 0.00115.
gnomAD v4.1: 1,187 of 1,605,264 alleles (0.074%); highest among the groups gnomAD compares: Admixed American, 0.11%; 3 homozygotes.

Submissions (5):

Labcorp Genetics (formerly Invitae), Labcorp
Classification: Likely benign for Pontocerebellar hypoplasia type 1B. Last evaluated: 2026-01-25. Review status: criteria provided, single submitter. Criteria: Invitae Variant Classification Sherloc (09022015). Collection method: clinical testing. Allele origin: germline.

PreventionGenetics, part of Exact Sciences
Classification: Uncertain significance for EXOSC3-related condition. Last evaluated: 2025-03-04. Review status: criteria provided, single submitter. Criteria: ACMG Guidelines, 2015. Collection method: clinical testing. Allele origin: germline.
Comment: The EXOSC3 c.328G>A variant is predicted to result in the amino acid substitution p.Val110Ile. To our knowledge, this variant has not been reported in the literature. This variant is reported in 0.090% of alleles in individuals of European (Non-Finnish) descent in gnomAD, which is likely too common to be a primary cause of disease. Although we suspect that this variant may be benign, at this time, the clinical significance of this variant is uncertain due to the absence of conclusive functional and genetic evidence.

Blueprint Genetics
Classification: Likely benign. Last evaluated: 2024-10-17. Review status: criteria provided, single submitter. Criteria: ACMG Guidelines, 2015. Collection method: clinical testing. Allele origin: germline.

Illumina Laboratory Services, Illumina
Classification: Uncertain significance for Pontocerebellar hypoplasia type 1B. Last evaluated: 2017-04-27. Review status: criteria provided, single submitter. Criteria: ICSL Variant Classification Criteria 13 December 2019. Collection method: clinical testing. Allele origin: germline.

Genetic Services Laboratory, University of Chicago
Classification: Uncertain significance. Last evaluated: 2015-08-06. Review status: criteria provided, single submitter. Criteria: ACMG Guidelines, 2015. Collection method: clinical testing. Allele origin: germline.

NM_016042.4(EXOSC3):c.328G>A (p.Val110Ile)

Gene: EXOSC3 (exosome component 3; minus strand). Cytogenetic location: 9p13.2.
Variant type: single nucleotide variant.
Coding change: c.328G>A on transcript NM_016042.4 (MANE Select); coding-DNA position 328, G replaced by A.
Protein change: p.Val110Ile; replaces valine 110 with isoleucine.
Molecular consequence: missense variant.
Genome position (GRCh38, 1-based): chr9:37,784,060, C>T on the plus strand (G>A on the coding strand, the complement: EXOSC3 is on the minus strand). VCF-style: chr9-37784060-C-T. GRCh37 (hg19) VCF-style: chr9-37784057-C-T.
Other names: c.328G>A, p.Val110Ile (NM_001002269.2); short protein forms V110I.
Identifiers: ClinVar variation 210964 (VCV000210964.19), dbSNP rs138169215, ClinGen allele CA206987.